The following is an entry in ClinVar:

NM_000142.5(FGFR3):c.933G>A (p.Thr311=)

Gene: FGFR3 (fibroblast growth factor receptor 3; plus strand). Cytogenetic location: 4p16.3.
Variant type: single nucleotide variant.
Coding change: c.933G>A on transcript NM_000142.5 (MANE Select); coding-DNA position 933, G replaced by A.
Protein change: p.Thr311=; no amino-acid change (threonine 311 retained).
Molecular consequence: synonymous variant. On other transcripts: non-coding transcript variant (1), intron variant (2).
Genome position (GRCh38, 1-based): chr4:1,803,694, G>A. VCF-style: chr4-1803694-G-A. GRCh37 (hg19) VCF-style: chr4-1805421-G-A.
Other names: c.933G>A, p.Thr311= (NM_001354809.2, NM_001354810.2); c.1081+630G>A (NM_001163213.2); c.931-1130G>A (NM_022965.4).
Identifiers: ClinVar variation 730542 (VCV000730542.13), dbSNP rs142805104, ClinGen allele CA2810130.

ClinVar aggregate classification (germline): Conflicting classifications of pathogenicity. Review status: criteria provided, conflicting classifications (1 of 4 stars). 5 submissions from 5 submitters: Uncertain significance (1); Benign (2); Likely benign (2). Last evaluated 2026-01-06.

Conditions:
FGFR3-related disorder. Also called: FGFR3-related disorders.

Allele frequency attached by ClinVar (database versions not stated): gnomAD exomes 0.00005 and 0.00014; ExAC 0.00014; gnomAD 0.00015 and 0.00017; TOPMed 0.00018; ESP Exome Variant Server 0.00023; 1000 Genomes Project 0.00040; 1000 Genomes Project 30x 0.00047.
gnomAD v4.1: 92 of 1,613,562 alleles (0.0057%); highest among the groups gnomAD compares: African/African-American, 0.073%; no homozygotes.

Submissions (5):

Women's Health and Genetics/Laboratory Corporation of America, LabCorp
Classification: Benign. Last evaluated: 2026-01-06. Review status: criteria provided, single submitter. Criteria: LabCorp Variant Classification Summary - May 2015. Collection method: clinical testing. Allele origin: germline.
Comment: Variant summary: FGFR3 c.933G>A (p.Thr311Thr) alters a conserved nucleotide located close to a canonical splice site and therefore could affect mRNA splicing, leading to a significantly altered protein sequence. Several computational tools predict a significant impact on normal splicing: Three predict the variant creates a cryptic 3' acceptor site. Four predict the variant no significant impact on splicing. However, these predictions have yet to be confirmed by functional studies. The variant allele was found at a frequency of 0.00014 in 249668 control chromosomes, predominantly at a frequency of 0.0011 within the East Asian subpopulation in the gnomAD database. The observed variant frequency within East Asian control individuals in the gnomAD database exceeds the estimated maximal expected allele frequency for disease-causing variants in FGFR3. To our knowledge, no occurrence of c.933G>A in individuals affected with FGFR3-related conditions and no experimental evidence demonstrating its impact on protein function have been reported. ClinVar contains an entry for this variant (Variation ID: 730542). Based on the evidence outlined above, the variant was classified as benign.

PreventionGenetics, part of Exact Sciences
Classification: Uncertain significance for FGFR3-related condition. Last evaluated: 2025-03-24. Review status: criteria provided, single submitter. Criteria: ACMG Guidelines, 2015. Collection method: clinical testing. Allele origin: germline.
Comment: The FGFR3 c.933G>A variant is not predicted to result in an amino acid change (p.=). This variant is predicted to alter splicing based on available splicing prediction software (SpliceAI, Jaganathan et al. 2019. PubMed ID: 30661751). However, the use of computer prediction softwares is not equivalent to functional evidence. To our knowledge, this variant has not been reported in the literature. This variant is reported in 0.10% of alleles in individuals of East Asian descent in gnomAD. Although we suspect that this variant may be benign, at this time, the clinical significance of this variant is uncertain due to the absence of conclusive functional and genetic evidence.

Labcorp Genetics (formerly Invitae), Labcorp
Classification: Benign. Last evaluated: 2024-10-17. Review status: criteria provided, single submitter. Criteria: Invitae Variant Classification Sherloc (09022015). Collection method: clinical testing. Allele origin: germline.

Blueprint Genetics
Classification: Likely benign. Last evaluated: 2023-09-26. Review status: criteria provided, single submitter. Criteria: ACMG Guidelines, 2015. Collection method: clinical testing. Allele origin: germline.

GeneDx
Classification: Likely benign. Last evaluated: 2020-07-08. Review status: criteria provided, single submitter. Criteria: GeneDx Variant Classification Process June 2021. Collection method: clinical testing. Allele origin: germline. Affected: yes.